The following is an entry in ClinVar:

ClinVar aggregate classification (germline): Uncertain significance (1 of 4 stars; one submission).

Submission:

Quest Diagnostics Nichols Institute San Juan Capistrano
Classification: Uncertain significance. Last evaluated: 2025-06-25. Review status: criteria provided, single submitter. Criteria: Quest Diagnostics criteria. Collection method: clinical testing. Allele origin: unknown.
Comment: The DICER1 c.5525T>C (p.Ile1842Thr) variant has not been reported in individuals with DICER1-related conditions in the published literature. It also has not been reported in large, multi-ethnic general populations (Genome Aggregation Database). Analysis of this variant using bioinformatics tools for the prediction of the effect of amino acid changes on protein structure and function yielded predictions that this variant is damaging. Based on the available information, we are unable to determine the clinical significance of this variant.

NM_177438.3(DICER1):c.5525T>C (p.Ile1842Thr)

Gene: DICER1 (dicer 1, ribonuclease III; minus strand). Cytogenetic location: 14q32.13.
Variant type: single nucleotide variant.
Coding change: c.5525T>C on transcript NM_177438.3 (MANE Select); coding-DNA position 5525, T replaced by C.
Protein change: p.Ile1842Thr; replaces isoleucine 1842 with threonine.
Molecular consequence: missense variant. On other transcripts: non-coding transcript variant (6), intron variant (1).
Genome position (GRCh38, 1-based): chr14:95,091,205, A>G on the plus strand (T>C on the coding strand, the complement: DICER1 is on the minus strand). VCF-style: chr14-95091205-A-G. GRCh37 (hg19) VCF-style: chr14-95557542-A-G.
Other names: c.5525T>C, p.Ile1842Thr (NM_001271282.3, NM_001291628.2, NM_001395677.1 and 7 more transcripts); c.5243T>C, p.Ile1748Thr (NM_001395686.1); c.5120T>C, p.Ile1707Thr (NM_001395687.1, NM_001395688.1, NM_001395689.1 and 1 more transcripts); c.4958T>C, p.Ile1653Thr (NM_001395691.1); c.3842T>C, p.Ile1281Thr (NM_001395697.1); c.5365-96T>C (NM_001195573.1); short protein forms I1281T, I1653T, I1707T, I1748T, I1842T.
Identifiers: ClinVar variation 4533174 (VCV004533174.1).